The following is an entry in ClinVar:

ClinVar aggregate classification (germline): Uncertain significance (1 of 4 stars; one submission).

Conditions:
Baller-Gerold syndrome (BGS). Also called: CRANIOSYNOSTOSIS WITH RADIAL DEFECTS. Identifiers: Orphanet 1225, MedGen C0265308, MONDO:0009039, OMIM 218600.

gnomAD v4.1: 1 of 1,414,122 alleles (0.000071%); highest among the groups gnomAD compares: Non-Finnish European, 0.000092%; no homozygotes.

Submission:

Labcorp Genetics (formerly Invitae), Labcorp
Classification: Uncertain significance for Baller-Gerold syndrome. Last evaluated: 2023-02-22. Review status: criteria provided, single submitter. Criteria: Invitae Variant Classification Sherloc (09022015). Collection method: clinical testing. Allele origin: germline.
Comment: In summary, the available evidence is currently insufficient to determine the role of this variant in disease. Therefore, it has been classified as a Variant of Uncertain Significance. Variants that disrupt the consensus splice site are a relatively common cause of aberrant splicing (PMID: 17576681, 9536098). Algorithms developed to predict the effect of sequence changes on RNA splicing suggest that this variant may disrupt the consensus splice site. ClinVar contains an entry for this variant (Variation ID: 1398147). This variant has not been reported in the literature in individuals affected with RECQL4-related conditions. This variant is not present in population databases (gnomAD no frequency). This sequence change falls in intron 1 of the RECQL4 gene. It does not directly change the encoded amino acid sequence of the RECQL4 protein. It affects a nucleotide within the consensus splice site.

Literature cited by the submitters: PubMed 17576681; PubMed 9536098.

NM_004260.4(RECQL4):c.84+5G>T

Genes: RECQL4 (RecQ like helicase 4; minus strand), LOC130001411 (ATAC-STARR-seq lymphoblastoid silent region 19699; plus strand). Cytogenetic location: 8q24.3.
Variant type: single nucleotide variant.
Coding change: c.84+5G>T on transcript NM_004260.4 (MANE Select); 5 bases into the intron after coding-DNA position 84, G replaced by T.
Molecular consequence: intron variant.
Genome position (GRCh38, 1-based): chr8:144,517,696, C>A on the plus strand (G>T on the coding strand, the complement: RECQL4 is on the minus strand). VCF-style: chr8-144517696-C-A. GRCh37 (hg19) VCF-style: chr8-145743080-C-A.
Identifiers: ClinVar variation 1398147 (VCV001398147.6), dbSNP rs1060501367, ClinGen allele CA2573142957.